The following is an entry in ClinVar:

ClinVar aggregate classification (germline): Uncertain significance. Review status: criteria provided, multiple submitters, no conflicts (2 of 4 stars). 2 submissions from 2 submitters: Uncertain significance (2). Last evaluated 2026-08-11.

Conditions:
SPINT2-related disorder. Also called: SPINT2-related condition.

Allele frequency attached by ClinVar (database versions not stated): gnomAD 0.00012 and 0.00013.
gnomAD v4.1: 48 of 1,612,898 alleles (0.003%); highest among the groups gnomAD compares: Admixed American, 0.032%; 1 homozygote.

Submissions (2):

PreventionGenetics, part of Exact Sciences
Classification: Uncertain significance for SPINT2-related condition. Last evaluated: 2026-08-11. Review status: criteria provided, single submitter. Criteria: ACMG Guidelines, 2015. Collection method: clinical testing. Allele origin: germline.
Comment: The SPINT2 c.615C>G variant is predicted to result in the amino acid substitution p.Phe205Leu. To our knowledge, this variant has not been reported in the literature. This variant is reported in 0.011% of alleles in individuals of East Asian descent in gnomAD. At this time, the clinical significance of this variant is uncertain due to the absence of conclusive functional and genetic evidence.

Labcorp Genetics (formerly Invitae), Labcorp
Classification: Uncertain significance. Last evaluated: 2022-08-23. Review status: criteria provided, single submitter. Criteria: Invitae Variant Classification Sherloc (09022015). Collection method: clinical testing. Allele origin: germline.
Comment: This sequence change replaces phenylalanine, which is neutral and non-polar, with leucine, which is neutral and non-polar, at codon 205 of the SPINT2 protein (p.Phe205Leu). This variant is present in population databases (rs372451580, gnomAD 0.03%). This variant has not been reported in the literature in individuals affected with SPINT2-related conditions. ClinVar contains an entry for this variant (Variation ID: 1412937). Algorithms developed to predict the effect of missense changes on protein structure and function output the following: SIFT: "Tolerated"; PolyPhen-2: "Benign"; Align-GVGD: "Class C0". The leucine amino acid residue is found in multiple mammalian species, which suggests that this missense change does not adversely affect protein function. In summary, the available evidence is currently insufficient to determine the role of this variant in disease. Therefore, it has been classified as a Variant of Uncertain Significance.

NM_021102.4(SPINT2):c.615C>G (p.Phe205Leu)

Gene: SPINT2 (serine peptidase inhibitor, Kunitz type 2; plus strand). Cytogenetic location: 19q13.2.
Variant type: single nucleotide variant.
Coding change: c.615C>G on transcript NM_021102.4 (MANE Select); coding-DNA position 615, C replaced by G.
Protein change: p.Phe205Leu; replaces phenylalanine 205 with leucine.
Molecular consequence: missense variant.
Genome position (GRCh38, 1-based): chr19:38,291,862, C>G. VCF-style: chr19-38291862-C-G. GRCh37 (hg19) VCF-style: chr19-38782502-C-G.
Other names: c.444C>G, p.Phe148Leu (NM_001166103.2); c.615C>G (NM_021102.3); short protein forms F148L, F205L.
Identifiers: ClinVar variation 1412937 (VCV001412937.4), dbSNP rs372451580, ClinGen allele CA9411575.
Genomic context (GRCh38, chr19:38,291,862, plus strand): 5'-TTGCCTGGCCCGTCCTGAGGCCCCTCTCTCGTCCTCAGTGGTGGTTCTGGCGGGGCTGTT[C>G]GTGATGGTGTTGATCCTCTTCCTGGGAGCCTCCATGGTCTACCTGATCCGGGTGGCACGG-3'
Protein context (NP_066925.1, residues 195-215): GSKVVVLAGL[Phe205Leu]VMVLILFLGA